The following is an entry in ClinVar:

NM_004998.4(MYO1E):c.3280C>T (p.Arg1094Ter)

Gene: MYO1E (myosin IE; minus strand). Cytogenetic location: 15q22.2.
Variant type: single nucleotide variant.
Coding change: c.3280C>T on transcript NM_004998.4 (MANE Select); coding-DNA position 3280, C replaced by T.
Protein change: p.Arg1094Ter; replaces arginine 1094 with a stop codon.
Molecular consequence: nonsense.
Genome position (GRCh38, 1-based): chr15:59,137,427, G>A on the plus strand (C>T on the coding strand, the complement: MYO1E is on the minus strand). VCF-style: chr15-59137427-G-A. GRCh37 (hg19) VCF-style: chr15-59429626-G-A.
Other names: short protein forms R1094*.
Identifiers: ClinVar variation 1418639 (VCV001418639.6), dbSNP rs1463387450, ClinGen allele CA392647806.

ClinVar aggregate classification (germline): Uncertain significance (1 of 4 stars; one submission).

gnomAD v4.1: 3 of 1,614,142 alleles (0.00019%); highest among the groups gnomAD compares: Non-Finnish European, 0.00025%; no homozygotes.

Submission:

Labcorp Genetics (formerly Invitae), Labcorp
Classification: Uncertain significance. Last evaluated: 2021-10-02. Review status: criteria provided, single submitter. Criteria: Invitae Variant Classification Sherloc (09022015). Collection method: clinical testing. Allele origin: germline.
Comment: Experimental studies and prediction algorithms are not available or were not evaluated, and the functional significance of this variant is currently unknown. In summary, the available evidence is currently insufficient to determine the role of this variant in disease. Therefore, it has been classified as a Variant of Uncertain Significance. This variant has not been reported in the literature in individuals affected with MYO1E-related conditions. This variant is not present in population databases (ExAC no frequency). This sequence change creates a premature translational stop signal (p.Arg1094*) in the MYO1E gene. While this is not anticipated to result in nonsense mediated decay, it is expected to disrupt the last 15 amino acid(s) of the MYO1E protein.